The following is an entry in ClinVar:

ClinVar aggregate classification (germline): Uncertain significance (0 of 4 stars; one submission).

Conditions:
SEMA3G-related disorder. Also called: SEMA3G-related condition.

gnomAD v4.1: 5 of 1,613,786 alleles (0.00031%); highest among the groups gnomAD compares: Admixed American, 0.0017%; no homozygotes.

Submission:

PreventionGenetics, part of Exact Sciences
Classification: Uncertain significance for SEMA3G-related condition. Last evaluated: 2024-07-05. Review status: no assertion criteria provided. Collection method: clinical testing. Allele origin: germline.
Comment: The SEMA3G c.709G>C variant is predicted to result in the amino acid substitution p.Asp237His. To our knowledge, this variant has not been reported in the literature. This variant is reported in 0.0065% of alleles in individuals of European (Non-Finnish) descent in gnomAD. At this time, the clinical significance of this variant is uncertain due to the absence of conclusive functional and genetic evidence.

NM_020163.3(SEMA3G):c.709G>C (p.Asp237His)

Gene: SEMA3G (semaphorin 3G; minus strand). Cytogenetic location: 3p21.1.
Variant type: single nucleotide variant.
Coding change: c.709G>C on transcript NM_020163.3 (MANE Select); coding-DNA position 709, G replaced by C.
Protein change: p.Asp237His; replaces aspartic acid 237 with histidine.
Molecular consequence: missense variant.
Genome position (GRCh38, 1-based): chr3:52,441,368, C>G on the plus strand (G>C on the coding strand, the complement: SEMA3G is on the minus strand). VCF-style: chr3-52441368-C-G. GRCh37 (hg19) VCF-style: chr3-52475384-C-G.
Other names: short protein forms D237H.
Identifiers: ClinVar variation 3351608 (VCV003351608.1).
Genomic context (GRCh38, chr3:52,441,368, plus strand): 5'-CACCATCGGGCGAGGGGACCGTCTCCGAGAAGAAGAAGTACACCTTGTCATTGTCCTGGT[C>G]AGAGTTCTCAGGGATCCGGGCGGCCATCACAAACCGGGGGTCTGGAAGGGTGACAGGGTC-3'
Protein context (NP_064548.1, residues 227-247): VMAARIPENS[Asp237His]QDNDKVYFFF